The following is an entry in ClinVar:

ClinVar aggregate classification (germline): Conflicting classifications of pathogenicity. Review status: criteria provided, conflicting classifications (1 of 4 stars). 5 submissions from 5 submitters: Uncertain significance (4); Likely benign (1). Last evaluated 2025-03-29.

Conditions:
Hereditary cancer-predisposing syndrome. Also called: Neoplastic Syndromes, Hereditary; Tumor predisposition; Hereditary Cancer Syndrome; Hereditary neoplastic syndrome. Identifiers: Orphanet 140162, MedGen C0027672, MeSH D009386, MONDO:0015356.
Hereditary breast ovarian cancer syndrome. Also called: BRCA1- and BRCA2-Associated Hereditary Breast and Ovarian Cancer; Hereditary breast and ovarian cancer syndrome; Hereditary breast and ovarian cancer; Hereditary breast and ovarian cancer syndrome (HBOC); Breast and ovarian cancer; Hereditary breast and/or ovarian cancer syndrome. Identifiers: Orphanet 145, MedGen C0677776, MeSH D061325, MONDO:0003582. Disease mechanism: loss of function.

Submissions (5):

Ambry Genetics
Classification: Uncertain significance for Hereditary cancer-predisposing syndrome. Last evaluated: 2025-03-29. Review status: criteria provided, single submitter. Criteria: Ambry Variant Classification Scheme 2023. Collection method: clinical testing. Allele origin: germline.
Comment: The p.T1430I variant (also known as c.4289C>T), located in coding exon 10 of the BRCA2 gene, results from a C to T substitution at nucleotide position 4289. The threonine at codon 1430 is replaced by isoleucine, an amino acid with similar properties. This amino acid position is well conserved in available vertebrate species. In addition, this alteration is predicted to be deleterious by in silico analysis. Since supporting evidence is limited at this time, the clinical significance of this alteration remains unclear.

Quest Diagnostics Nichols Institute San Juan Capistrano
Classification: Uncertain significance. Last evaluated: 2023-06-08. Review status: criteria provided, single submitter. Criteria: Quest Diagnostics criteria. Collection method: clinical testing. Allele origin: unknown.
Comment: In the published literature, this variant has been identified in a study of BRCA1 and BRCA2 regions without essential functions that tolerate variation (PMID: 31911673 (2020)). This variant has not been reported in large, multi-ethnic general populations (Genome Aggregation Database). Analysis of this variant using bioinformatics tools for the prediction of the effect of amino acid changes on protein structure and function yielded conflicting predictions that this variant is benign or damaging. Based on the available information, we are unable to determine the clinical significance of this variant.

University of Washington Department of Laboratory Medicine, University of Washington
Classification: Likely benign for Hereditary cancer-predisposing syndrome. Last evaluated: 2023-03-23. Review status: criteria provided, single submitter. Criteria: Dines et al. (Genet Med. 2020). Collection method: curation. Allele origin: germline.
Comment: Missense variant in a coldspot region where missense variants are very unlikely to be pathogenic (PMID:31911673).

BRCA2 exon 11 coldspot. Reclassification based on statistical prior probability.

Labcorp Genetics (formerly Invitae), Labcorp
Classification: Uncertain significance for Hereditary breast ovarian cancer syndrome. Last evaluated: 2023-03-20. Review status: criteria provided, single submitter. Criteria: Invitae Variant Classification Sherloc (09022015). Collection method: clinical testing. Allele origin: germline.
Comment: ClinVar contains an entry for this variant (Variation ID: 231592). This variant has not been reported in the literature in individuals affected with BRCA2-related conditions. This variant is not present in population databases (gnomAD no frequency). This sequence change replaces threonine, which is neutral and polar, with isoleucine, which is neutral and non-polar, at codon 1430 of the BRCA2 protein (p.Thr1430Ile). Advanced modeling of protein sequence and biophysical properties (such as structural, functional, and spatial information, amino acid conservation, physicochemical variation, residue mobility, and thermodynamic stability) performed at Invitae indicates that this missense variant is not expected to disrupt BRCA2 protein function. In summary, the available evidence is currently insufficient to determine the role of this variant in disease. Therefore, it has been classified as a Variant of Uncertain Significance.

Color Diagnostics, LLC DBA Color Health
Classification: Uncertain significance for Hereditary cancer-predisposing syndrome. Last evaluated: 2020-04-07. Review status: criteria provided, single submitter. Criteria: ACMG Guidelines, 2015. Collection method: clinical testing. Allele origin: germline.
Comment: This missense variant replaces threonine with isoleucine at codon 1430 of the BRCA2 protein. Computational prediction is inconclusive regarding the impact of this variant on protein structure and function (internally defined REVEL score threshold 0.5 < inconclusive < 0.7, PMID: 27666373).To our knowledge, functional studies have not been reported for this variant. This variant has not been reported in individuals affected with hereditary cancer in the literature. This variant has not been identified in the general population by the Genome Aggregation Database (gnomAD). The available evidence is insufficient to determine the role of this variant in disease conclusively. Therefore, this variant is classified as a Variant of Uncertain Significance.

Literature cited by the submitters: PubMed 31911673 (cited by Quest Diagnostics Nichols Institute San Juan Capistrano).

NM_000059.4(BRCA2):c.4289C>T (p.Thr1430Ile)

Gene: BRCA2 (BRCA2 DNA repair associated; plus strand). Cytogenetic location: 13q13.1.
Variant type: single nucleotide variant.
Coding change: c.4289C>T on transcript NM_000059.4 (MANE Select); coding-DNA position 4289, C replaced by T.
Protein change: p.Thr1430Ile; replaces threonine 1430 with isoleucine.
Molecular consequence: missense variant.
Genome position (GRCh38, 1-based): chr13:32,338,644, C>T. VCF-style: chr13-32338644-C-T. GRCh37 (hg19) VCF-style: chr13-32912781-C-T.
Other names: short protein forms T1430I.
Identifiers: ClinVar variation 231592 (VCV000231592.20), dbSNP rs876659247, ClinGen allele CA10579607.
Genomic context (GRCh38, chr13:32,338,644, plus strand): 5'-CTGCTACTAAAACGGAGCAAAATATAAAAGATTTTGAGACTTCTGATACATTTTTTCAGA[C>T]TGCAAGTGGGAAAAATATTAGTGTCGCCAAAGAGTCATTTAATAAAATTGTAAATTTCTT-3'
Protein context (NP_000050.3, residues 1420-1440): DFETSDTFFQ[Thr1430Ile]ASGKNISVAK